The following is an entry in ClinVar:

NM_003718.5(CDK13):c.1300C>T (p.Arg434Cys)

Gene: CDK13 (cyclin dependent kinase 13; plus strand). Cytogenetic location: 7p14.1.
Variant type: single nucleotide variant.
Coding change: c.1300C>T on transcript NM_003718.5 (MANE Select); coding-DNA position 1300, C replaced by T.
Protein change: p.Arg434Cys; replaces arginine 434 with cysteine.
Molecular consequence: missense variant.
Genome position (GRCh38, 1-based): chr7:39,987,687, C>T. VCF-style: chr7-39987687-C-T. GRCh37 (hg19) VCF-style: chr7-40027286-C-T.
Other names: c.1300C>T, p.Arg434Cys (NM_031267.4); short protein forms R434C.
Identifiers: ClinVar variation 2415427 (VCV002415427.6), dbSNP rs371566821, ClinGen allele CA4228468.

ClinVar aggregate classification (germline): Uncertain significance (1 of 4 stars; one submission).

Allele frequency attached by ClinVar (database versions not stated): ExAC 0.00001; TOPMed 0.00002; ESP Exome Variant Server 0.00008.
gnomAD v4.1: 8 of 1,613,858 alleles (0.0005%); highest among the groups gnomAD compares: African/African-American, 0.0013%; no homozygotes.

Submission:

Labcorp Genetics (formerly Invitae), Labcorp
Classification: Uncertain significance. Last evaluated: 2023-04-10. Review status: criteria provided, single submitter. Criteria: Invitae Variant Classification Sherloc (09022015). Collection method: clinical testing. Allele origin: germline.
Comment: In summary, the available evidence is currently insufficient to determine the role of this variant in disease. Therefore, it has been classified as a Variant of Uncertain Significance. Advanced modeling of protein sequence and biophysical properties (such as structural, functional, and spatial information, amino acid conservation, physicochemical variation, residue mobility, and thermodynamic stability) has been performed at Invitae for this missense variant, however the output from this modeling did not meet the statistical confidence thresholds required to predict the impact of this variant on CDK13 protein function. ClinVar contains an entry for this variant (Variation ID: 2415427). This variant has not been reported in the literature in individuals affected with CDK13-related conditions. This sequence change replaces arginine, which is basic and polar, with cysteine, which is neutral and slightly polar, at codon 434 of the CDK13 protein (p.Arg434Cys). This variant is present in population databases (rs371566821, gnomAD 0.002%).